The following is an entry in ClinVar:

NM_000321.3(RB1):c.499A>T (p.Arg167Trp)

Gene: RB1 (RB transcriptional corepressor 1; plus strand). Cytogenetic location: 13q14.2.
Variant type: single nucleotide variant.
Coding change: c.499A>T on transcript NM_000321.3 (MANE Select); coding-DNA position 499, A replaced by T.
Protein change: p.Arg167Trp; replaces arginine 167 with tryptophan.
Molecular consequence: missense variant.
Genome position (GRCh38, 1-based): chr13:48,345,198, A>T. VCF-style: chr13-48345198-A-T. GRCh37 (hg19) VCF-style: chr13-48919334-A-T.
Other names: c.499A>T, p.Arg167Trp (NM_001407165.1, NM_001407166.1); short protein forms R167W.
Identifiers: ClinVar variation 5027958 (VCV005027958.1).

ClinVar aggregate classification (germline): Uncertain significance (1 of 4 stars; one submission).

Conditions:
Hereditary cancer-predisposing syndrome. Also called: Neoplastic Syndromes, Hereditary; Tumor predisposition; Hereditary neoplastic syndrome; Hereditary Cancer Syndrome. Identifiers: Orphanet 140162, MedGen C0027672, MeSH D009386, MONDO:0015356.

Submission:

Ambry Genetics
Classification: Uncertain significance for Hereditary cancer-predisposing syndrome. Last evaluated: 2026-07-07. Review status: criteria provided, single submitter. Criteria: Ambry Variant Classification Scheme 2023. Collection method: clinical testing. Allele origin: germline.
Comment: The p.R167W variant (also known as c.499A>T), located in coding exon 4 of the RB1 gene, results from an A to T substitution at nucleotide position 499. The arginine at codon 167 is replaced by tryptophan, an amino acid with dissimilar properties. This amino acid position is conserved. In addition, the in silico prediction for this alteration is inconclusive. Based on the available evidence, the clinical significance of this variant remains unclear.